The following is an entry in ClinVar:

ClinVar aggregate classification (germline): Pathogenic (1 of 4 stars; one submission).

Conditions:
Hereditary cancer-predisposing syndrome. Also called: Neoplastic Syndromes, Hereditary; Tumor predisposition; Hereditary Cancer Syndrome; Hereditary neoplastic syndrome. Identifiers: Orphanet 140162, MedGen C0027672, MeSH D009386, MONDO:0015356.

Submission:

Ambry Genetics
Classification: Pathogenic for Hereditary cancer-predisposing syndrome. Last evaluated: 2021-06-17. Review status: criteria provided, single submitter. Criteria: Ambry Variant Classification Scheme 2023. Collection method: clinical testing. Allele origin: germline.
Comment: The c.8130dupT pathogenic mutation, located in coding exon 17 of the BRCA2 gene, results from a duplication of T at nucleotide position 8130, causing a translational frameshift with a predicted alternate stop codon (p.A2711Cfs*10). This alteration is expected to result in loss of function by premature protein truncation or nonsense-mediated mRNA decay. As such, this alteration is interpreted as a disease-causing mutation.

NM_000059.4(BRCA2):c.8130dup (p.Ala2711fs)

Gene: BRCA2 (BRCA2 DNA repair associated; plus strand). Cytogenetic location: 13q13.1.
Variant type: Duplication.
Coding change: c.8130dup on transcript NM_000059.4 (MANE Select); coding-DNA position 8130, one base duplicated (T; older notation c.8130dupT).
Protein change: p.Ala2711fs; shifts the reading frame from alanine 2711.
Molecular consequence: frameshift variant.
Genome position (GRCh38, 1-based): chr13:32,363,332, T duplicated. VCF-style (leftmost placement, unchanged base first): chr13-32363331-G-GT. GRCh37 (hg19) VCF-style: chr13-32937468-G-GT.
Other names: c.8034dup, p.Ala2679Cysfs (NM_001406719.1); c.8130dup, p.Ala2711Cysfs (NM_001406720.1); c.3198dup, p.Ala1067Cysfs (NM_001406721.1); c.1713dup, p.Ala572Cysfs (NM_001406722.1); c.8130dupT (NM_000059.3); short protein forms A2711fs.
Identifiers: ClinVar variation 1762134 (VCV001762134.2), dbSNP rs2548546479, ClinGen allele CA2580087483.